The following is an entry in ClinVar:

ClinVar aggregate classification (germline): Uncertain significance (1 of 4 stars; one submission).

Conditions:
Cardiovascular phenotype. Identifiers: MedGen CN230736.
Hereditary cancer-predisposing syndrome. Also called: Tumor predisposition; Neoplastic Syndromes, Hereditary; Hereditary neoplastic syndrome; Hereditary Cancer Syndrome. Identifiers: Orphanet 140162, MedGen C0027672, MeSH D009386, MONDO:0015356.

Submission:

Ambry Genetics
Classification: Uncertain significance for Cardiovascular phenotype; Hereditary cancer-predisposing syndrome. Last evaluated: 2025-09-14. Review status: criteria provided, single submitter. Criteria: Ambry Variant Classification Scheme 2023. Collection method: clinical testing. Allele origin: germline.
Comment: The p.L565V variant (also known as c.1693C>G), located in coding exon 15 of the LZTR1 gene, results from a C to G substitution at nucleotide position 1693. The leucine at codon 565 is replaced by valine, an amino acid with highly similar properties. This amino acid position is conserved. In addition, this alteration is predicted to be tolerated by in silico analysis. Based on the available evidence, the clinical significance of this variant remains unclear.

NM_006767.4(LZTR1):c.1693C>G (p.Leu565Val)

Gene: LZTR1 (leucine zipper like post translational regulator 1; plus strand). Cytogenetic location: 22q11.21.
Variant type: single nucleotide variant.
Coding change: c.1693C>G on transcript NM_006767.4 (MANE Select); coding-DNA position 1693, C replaced by G.
Protein change: p.Leu565Val; replaces leucine 565 with valine.
Molecular consequence: missense variant.
Genome position (GRCh38, 1-based): chr22:20,994,635, C>G. VCF-style: chr22-20994635-C-G. GRCh37 (hg19) VCF-style: chr22-21348924-C-G.
Other names: short protein forms L565V.
Identifiers: ClinVar variation 4101841 (VCV004101841.1).